The following is an entry in ClinVar:

ClinVar aggregate classification (germline): Likely pathogenic (1 of 4 stars; one submission).

Conditions:
Hereditary spastic paraplegia 15 (SPG15). Also called: SPASTIC PARAPLEGIA 15, AUTOSOMAL RECESSIVE; KJELLIN SYNDROME; SPASTIC PARAPLEGIA AND RETINAL DEGENERATION. Identifiers: Orphanet 100996, MedGen C1849128, MONDO:0010044, OMIM 270700.

Submission:

Myriad Genetics, Inc.
Classification: Likely pathogenic for Hereditary spastic paraplegia 15. Last evaluated: 2022-05-18. Review status: criteria provided, single submitter. Criteria: Myriad Women's Health Autosomal Recessive and X-Linked Classification Criteria (2021). Collection method: clinical testing. Allele origin: unknown.
Comment: NM_015346.3(ZFYVE26):c.143dupA(R49Efs*55) is expected to be pathogenic in the context of spastic paraplegia type 15. This variant is predicted to lead to an abnormal or absent protein product due to the creation of a premature termination codon in ZFYVE26, a gene where loss-of-function variants are known to be pathogenic. Please note: this variant was assessed in the context of healthy population screening.

NM_015346.4(ZFYVE26):c.143dup (p.Arg49fs)

Gene: ZFYVE26 (zinc finger FYVE-type containing 26; minus strand). Cytogenetic location: 14q24.1.
Variant type: Duplication.
Coding change: c.143dup on transcript NM_015346.4 (MANE Select); coding-DNA position 143, one base duplicated (A; older notation c.143dupA).
Protein change: p.Arg49fs; shifts the reading frame from arginine 49.
Molecular consequence: frameshift variant.
Genome position (GRCh38, 1-based): chr14:67,815,821, T duplicated on the plus strand (A on the coding strand, the reverse complement: ZFYVE26 is on the minus strand); the first of 3 consecutive T bases (chr14:67,815,821-67,815,823); duplicating any one gives the same sequence. VCF-style (leftmost placement, unchanged base first): chr14-67815820-C-CT. GRCh37 (hg19) VCF-style: chr14-68282537-C-CT.
Other names: short protein forms R49fs.
Identifiers: ClinVar variation 1726078 (VCV001726078.2), dbSNP rs2502897758, ClinGen allele CA2580088650.